The following is an entry in ClinVar:

NM_000213.5(ITGB4):c.2503C>A (p.Pro835Thr)

Gene: ITGB4 (integrin subunit beta 4; plus strand). Cytogenetic location: 17q25.1.
Variant type: single nucleotide variant.
Coding change: c.2503C>A on transcript NM_000213.5 (MANE Select); coding-DNA position 2503, C replaced by A.
Protein change: p.Pro835Thr; replaces proline 835 with threonine.
Molecular consequence: missense variant.
Genome position (GRCh38, 1-based): chr17:75,740,414, C>A. VCF-style: chr17-75740414-C-A. GRCh37 (hg19) VCF-style: chr17-73736495-C-A.
Other names: c.2503C>A (NM_000213.3); c.2503C>A, p.Pro835Thr (NM_001005619.2, NM_001005731.3, NM_001321123.2); short protein forms P835T.
Identifiers: ClinVar variation 888847 (VCV000888847.11), dbSNP rs183705877, ClinGen allele CA8769426.

ClinVar aggregate classification (germline): Conflicting classifications of pathogenicity. Review status: criteria provided, conflicting classifications (1 of 4 stars). 5 submissions from 5 submitters: Uncertain significance (4); Likely benign (1). Last evaluated 2025-12-23.

Conditions:
Junctional epidermolysis bullosa with pyloric atresia. Also called: APLASIA CUTIS CONGENITA WITH GASTROINTESTINAL ATRESIA; CARMI SYNDROME; EB-PA-ACC; EPIDERMOLYSIS BULLOSA, JUNCTIONAL 5B, WITH PYLORIC ATRESIA; ITGB4-Related Epidermolysis Bullosa with Pyloric Atresia; ITGA6-Related Epidermolysis Bullosa with Pyloric Atresia. Identifiers: Orphanet 79403, MedGen C5676875, MONDO:0009183, OMIM 226730.
Epidermolysis bullosa, junctional 5A, intermediate. Also called: EPIDERMOLYSIS BULLOSA, JUNCTIONAL 5A, GENERALIZED INTERMEDIATE; EPIDERMOLYSIS BULLOSA, JUNCTIONAL 5A, NON-HERLITZ TYPE. Identifiers: MedGen C5676956, MONDO:0030768, OMIM 619816.
Inborn genetic diseases. Identifiers: MedGen C0950123, MeSH D030342.

Allele frequency attached by ClinVar (database versions not stated): TOPMed 0.00010.
gnomAD v4.1: 121 of 1,613,794 alleles (0.0075%); highest among the groups gnomAD compares: Admixed American, 0.2%; 1 homozygote.

Submissions (5):

Labcorp Genetics (formerly Invitae), Labcorp
Classification: Likely benign. Last evaluated: 2025-12-23. Review status: criteria provided, single submitter. Criteria: Invitae Variant Classification Sherloc (09022015). Collection method: clinical testing. Allele origin: germline.

GeneDx
Classification: Uncertain significance. Last evaluated: 2024-12-17. Review status: criteria provided, single submitter. Criteria: GeneDx Variant Classification Process June 2021. Collection method: clinical testing. Allele origin: germline. Affected: yes.
Comment: In silico analysis supports that this missense variant has a deleterious effect on protein structure/function; Has not been previously published as pathogenic or benign to our knowledge

Ambry Genetics
Classification: Uncertain significance for Inborn genetic diseases. Last evaluated: 2022-08-30. Review status: criteria provided, single submitter. Criteria: Ambry Variant Classification Scheme 2023. Collection method: clinical testing. Allele origin: germline.

Fulgent Genetics
Classification: Uncertain significance for Junctional epidermolysis bullosa with pyloric atresia; Epidermolysis bullosa, junctional 5A, intermediate. Last evaluated: 2022-04-22. Review status: criteria provided, single submitter. Criteria: ACMG Guidelines, 2015. Collection method: clinical testing. Allele origin: unknown.

Illumina Laboratory Services, Illumina
Classification: Uncertain significance for Junctional epidermolysis bullosa with pyloric atresia. Last evaluated: 2018-01-13. Review status: criteria provided, single submitter. Criteria: ICSL Variant Classification Criteria 13 December 2019. Collection method: clinical testing. Allele origin: germline.